The following is an entry in ClinVar:

ClinVar aggregate classification (germline): Uncertain significance (1 of 4 stars; one submission).

Conditions:
Catecholaminergic polymorphic ventricular tachycardia 1. Also called: VENTRICULAR TACHYCARDIA, CATECHOLAMINERGIC POLYMORPHIC, 1, WITH OR WITHOUT ATRIAL DYSFUNCTION AND/OR DILATED CARDIOMYOPATHY; RYR2-Related Catecholaminergic Polymorphic Ventricular Tachycardia; VENTRICULAR TACHYCARDIA, STRESS-INDUCED POLYMORPHIC 1. Identifiers: Orphanet 3286, MedGen C1631597, MONDO:0011484, OMIM 604772.

Submission:

Labcorp Genetics (formerly Invitae), Labcorp
Classification: Uncertain significance for Catecholaminergic polymorphic ventricular tachycardia 1. Last evaluated: 2026-01-27. Review status: criteria provided, single submitter. Criteria: Invitae Variant Classification Sherloc (09022015). Collection method: clinical testing. Allele origin: germline.
Comment: This sequence change replaces alanine, which is neutral and non-polar, with threonine, which is neutral and polar, at codon 4216 of the RYR2 protein (p.Ala4216Thr). This variant is not present in population databases (gnomAD no frequency). This variant has not been reported in the literature in individuals affected with RYR2-related conditions. Invitae Evidence Modeling of protein sequence and biophysical properties (such as structural, functional, and spatial information, amino acid conservation, physicochemical variation, residue mobility, and thermodynamic stability) indicates that this missense variant is not expected to disrupt RYR2 protein function with a negative predictive value of 95%. In summary, the available evidence is currently insufficient to determine the role of this variant in disease. Therefore, it has been classified as a Variant of Uncertain Significance.

NM_001035.3(RYR2):c.12646G>A (p.Ala4216Thr)

Genes: RYR2 (ryanodine receptor 2; plus strand), LOC126806068 (BRD4-independent group 4 enhancer GRCh37_chr1:237947411-237948610; plus strand). Cytogenetic location: 1q43.
Variant type: single nucleotide variant.
Coding change: c.12646G>A on transcript NM_001035.3 (MANE Select); coding-DNA position 12646, G replaced by A.
Protein change: p.Ala4216Thr; replaces alanine 4216 with threonine.
Molecular consequence: missense variant.
Genome position (GRCh38, 1-based): chr1:237,784,358, G>A. VCF-style: chr1-237784358-G-A. GRCh37 (hg19) VCF-style: chr1-237947658-G-A.
Other names: short protein forms A4216T.
Identifiers: ClinVar variation 4739381 (VCV004739381.1).